The following is an entry in ClinVar:

ClinVar aggregate classification (germline): Uncertain significance. Review status: criteria provided, multiple submitters, no conflicts (2 of 4 stars). 2 submissions from 2 submitters: Uncertain significance (2). Last evaluated 2024-12-23.

Conditions:
Familial sleep-related hypermotor epilepsy. Also called: Autosomal Dominant Sleep-Related Hypermotor (Hyperkinetic) Epilepsy. Identifiers: Orphanet 98784, MedGen C3696898, MONDO:0000030.

Allele frequency attached by ClinVar (database versions not stated): TOPMed 0.00002; ExAC 0.00002; ESP Exome Variant Server 0.00008; gnomAD exomes 0.00001.
gnomAD v4.1: 15 of 1,612,260 alleles (0.00093%); highest among the groups gnomAD compares: East Asian, 0.0022%; no homozygotes.

Submissions (2):

GeneDx
Classification: Uncertain significance. Last evaluated: 2024-12-23. Review status: criteria provided, single submitter. Criteria: GeneDx Variant Classification Process June 2021. Collection method: clinical testing. Allele origin: germline. Affected: yes.
Comment: In silico analysis supports that this missense variant has a deleterious effect on protein structure/function; Has not been previously published as pathogenic or benign to our knowledge

Labcorp Genetics (formerly Invitae), Labcorp
Classification: Uncertain significance. Last evaluated: 2023-03-11. Review status: criteria provided, single submitter. Criteria: Invitae Variant Classification Sherloc (09022015). Collection method: clinical testing. Allele origin: germline.
Comment: In summary, the available evidence is currently insufficient to determine the role of this variant in disease. Therefore, it has been classified as a Variant of Uncertain Significance. Advanced modeling of protein sequence and biophysical properties (such as structural, functional, and spatial information, amino acid conservation, physicochemical variation, residue mobility, and thermodynamic stability) performed at Invitae indicates that this missense variant is not expected to disrupt CHRNA4 protein function. This variant has not been reported in the literature in individuals affected with CHRNA4-related conditions. This variant is present in population databases (rs150905690, gnomAD 0.007%). This sequence change replaces threonine, which is neutral and polar, with methionine, which is neutral and non-polar, at codon 614 of the CHRNA4 protein (p.Thr614Met).

NM_000744.7(CHRNA4):c.1841C>T (p.Thr614Met)

Gene: CHRNA4 (cholinergic receptor nicotinic alpha 4 subunit; minus strand). Cytogenetic location: 20q13.33.
Variant type: single nucleotide variant.
Coding change: c.1841C>T on transcript NM_000744.7 (MANE Select); coding-DNA position 1841, C replaced by T.
Protein change: p.Thr614Met; replaces threonine 614 with methionine.
Molecular consequence: missense variant. On other transcripts: non-coding transcript variant (1).
Genome position (GRCh38, 1-based): chr20:63,346,781, G>A on the plus strand (C>T on the coding strand, the complement: CHRNA4 is on the minus strand). VCF-style: chr20-63346781-G-A. GRCh37 (hg19) VCF-style: chr20-61978133-G-A.
Other names: c.1313C>T, p.Thr438Met (NM_001256573.2); short protein forms T438M, T614M.
Identifiers: ClinVar variation 2571728 (VCV002571728.5), dbSNP rs150905690, ClinGen allele CA9957482.